The following is an entry in ClinVar:

ClinVar aggregate classification (germline): Likely benign. Review status: criteria provided, single submitter (1 of 4 stars). 2 submissions from 2 submitters: Likely benign (1). 1 of the submissions does not count toward it. Last evaluated 2019-12-12.

Conditions:
Cardiovascular phenotype. Identifiers: MedGen CN230736.
EPHB4-related disorder. Also called: EPHB4-related disorders; EPHB4-related condition.

Allele frequency attached by ClinVar (database versions not stated): ExAC 0.00002; gnomAD 0.00006; TOPMed 0.00006; gnomAD exomes 0.00009.
gnomAD v4.1: 150 of 1,614,018 alleles (0.0093%); highest among the groups gnomAD compares: Middle Eastern, 0.033%; no homozygotes.

Submissions (2):

Ambry Genetics
Classification: Likely benign for Cardiovascular phenotype. Last evaluated: 2019-12-12. Review status: criteria provided, single submitter. Criteria: Ambry Variant Classification Scheme 2023. Collection method: clinical testing. Allele origin: germline.

PreventionGenetics, part of Exact Sciences
Classification: Likely benign for EPHB4-related condition. Last evaluated: 2019-08-28. Review status: no assertion criteria provided. Collection method: clinical testing. Allele origin: germline. Not counted in ClinVar's aggregate classification.
Comment: This variant is classified as likely benign based on ACMG/AMP sequence variant interpretation guidelines (Richards et al. 2015 PMID: 25741868, with internal and published modifications).

NM_004444.5(EPHB4):c.2220C>T (p.Asp740=)

Gene: EPHB4 (EPH receptor B4; minus strand). Cytogenetic location: 7q22.1.
Variant type: single nucleotide variant.
Coding change: c.2220C>T on transcript NM_004444.5 (MANE Select); coding-DNA position 2220, C replaced by T.
Protein change: p.Asp740=; no amino-acid change (aspartic acid 740 retained).
Molecular consequence: synonymous variant.
Genome position (GRCh38, 1-based): chr7:100,807,479, G>A on the plus strand (C>T on the coding strand, the complement: EPHB4 is on the minus strand). VCF-style: chr7-100807479-G-A. GRCh37 (hg19) VCF-style: chr7-100405101-G-A.
Identifiers: ClinVar variation 1787921 (VCV001787921.4), dbSNP rs751061140, ClinGen allele CA4392694.